The following is an entry in ClinVar:

NM_001206927.2(DNAH8):c.-3_4del (p.Met1fs)

Genes: DNAH8 (dynein axonemal heavy chain 8; plus strand), LOC126859667 (BRD4-independent group 4 enhancer GRCh37_chr6:38690326-38691525; plus strand). Cytogenetic location: 6p21.2.
Variant type: Deletion.
Coding change: c.-3_4del on transcript NM_001206927.2 (MANE Select); 3 bases upstream of the start codon through coding-DNA position 4, 7 bases deleted (GGGATGG; older notation c.-3_4delGGGATGG).
Protein change: p.Met1fs; shifts the reading frame from methionine 1.
Molecular consequence: frameshift variant, initiator codon variant. On other transcripts: 5 prime UTR variant (1).
Genome position (GRCh38, 1-based): chr6:38,722,807-38,722,813, GGGATGG deleted; deleting any 7 consecutive bases within chr6:38,722,805-38,722,813 gives the same sequence; the c. name uses the placement nearest the transcript's 3' end. VCF-style (leftmost placement, unchanged base first): chr6-38722804-CGGGGGAT-C. GRCh37 (hg19) VCF-style: chr6-38690580-CGGGGGAT-C.
Other names: c.-569_-563del (NM_001371.4); short protein forms M1fs.
Identifiers: ClinVar variation 2499010 (VCV002499010.29), dbSNP rs2533979460, ClinGen allele CA2580074457.

ClinVar aggregate classification (germline): Uncertain significance (1 of 4 stars; one submission).

Submission:

CeGaT Center for Human Genetics Tuebingen
Classification: Uncertain significance. Last evaluated: 2023-02-01. Review status: criteria provided, single submitter. Criteria: CeGaT Center For Human Genetics Tuebingen Variant Classification Criteria Version 2. Collection method: clinical testing. Allele origin: germline. Affected: yes. Observed: 1 variant allele.
Comment: DNAH8: PM2, PVS1:Supporting